The following is an entry in ClinVar:

NM_016203.4(PRKAG2):c.190G>C (p.Asp64His)

Gene: PRKAG2 (protein kinase AMP-activated non-catalytic subunit gamma 2; minus strand). Cytogenetic location: 7q36.1.
Variant type: single nucleotide variant.
Coding change: c.190G>C on transcript NM_016203.4 (MANE Select); coding-DNA position 190, G replaced by C.
Protein change: p.Asp64His; replaces aspartic acid 64 with histidine.
Molecular consequence: missense variant. On other transcripts: intron variant (1).
Genome position (GRCh38, 1-based): chr7:151,781,428, C>G on the plus strand (G>C on the coding strand, the complement: PRKAG2 is on the minus strand). VCF-style: chr7-151781428-C-G. GRCh37 (hg19) VCF-style: chr7-151478514-C-G.
Other names: c.58G>C, p.Asp20His (NM_001040633.2, NM_001407024.1, NM_001407026.1 and 2 more transcripts); c.190G>C, p.Asp64His (NM_001407021.1, NM_001407022.1, NM_001407023.1 and 2 more transcripts); c.148+32988G>C (NM_001407032.1); short protein forms D20H, D64H.
Identifiers: ClinVar variation 3226898 (VCV003226898.1), dbSNP rs2537924060, ClinGen allele CA370069949.

ClinVar aggregate classification (germline): Uncertain significance (1 of 4 stars; one submission).

Conditions:
Cardiovascular phenotype. Identifiers: MedGen CN230736.

Allele frequency attached by ClinVar (database versions not stated): gnomAD exomes 0.00001.
gnomAD v4.1: 9 of 1,604,808 alleles (0.00056%); highest among the groups gnomAD compares: Non-Finnish European, 0.00077%; no homozygotes.

Submission:

Ambry Genetics
Classification: Uncertain significance for Cardiovascular phenotype. Last evaluated: 2023-10-19. Review status: criteria provided, single submitter. Criteria: Ambry Variant Classification Scheme 2023. Collection method: clinical testing. Allele origin: germline.
Comment: The p.D64H variant (also known as c.190G>C), located in coding exon 3 of the PRKAG2 gene, results from a G to C substitution at nucleotide position 190. The aspartic acid at codon 64 is replaced by histidine, an amino acid with similar properties. This amino acid position is conserved. In addition, the in silico prediction for this alteration is inconclusive. Since supporting evidence is limited at this time, the clinical significance of this alteration remains unclear.